The following is an entry in ClinVar:

NM_002471.4(MYH6):c.15G>C (p.Gln5His)

Genes: MYH6 (myosin heavy chain 6; minus strand), LOC114827851 (VISTA enhancer hs2155; plus strand). Cytogenetic location: 14q11.2.
Variant type: single nucleotide variant.
Coding change: c.15G>C on transcript NM_002471.4 (MANE Select); coding-DNA position 15, G replaced by C.
Protein change: p.Gln5His; replaces glutamine 5 with histidine.
Molecular consequence: missense variant.
Genome position (GRCh38, 1-based): chr14:23,407,209, C>G on the plus strand (G>C on the coding strand, the complement: MYH6 is on the minus strand). VCF-style: chr14-23407209-C-G. GRCh37 (hg19) VCF-style: chr14-23876418-C-G.
Other names: short protein forms Q5H.
Identifiers: ClinVar variation 1993011 (VCV001993011.4), dbSNP rs1891818033, ClinGen allele CA389032252.

ClinVar aggregate classification (germline): Uncertain significance (1 of 4 stars; one submission).

Conditions:
Hypertrophic cardiomyopathy 14. Identifiers: MedGen C2750467, MONDO:0013197, OMIM 613251.

Allele frequency attached by ClinVar (database versions not stated): gnomAD 0.00001.
gnomAD v4.1: 2 of 1,614,144 alleles (0.00012%); highest among the groups gnomAD compares: South Asian, 0.0011%; no homozygotes.

Submission:

Labcorp Genetics (formerly Invitae), Labcorp
Classification: Uncertain significance for Hypertrophic cardiomyopathy 14. Last evaluated: 2024-01-22. Review status: criteria provided, single submitter. Criteria: Invitae Variant Classification Sherloc (09022015). Collection method: clinical testing. Allele origin: germline.
Comment: This sequence change replaces glutamine, which is neutral and polar, with histidine, which is basic and polar, at codon 5 of the MYH6 protein (p.Gln5His). This variant is not present in population databases (gnomAD no frequency). This variant has not been reported in the literature in individuals affected with MYH6-related conditions. ClinVar contains an entry for this variant (Variation ID: 1993011). An algorithm developed to predict the effect of missense changes on protein structure and function (PolyPhen-2) suggests that this variant is likely to be tolerated. In summary, the available evidence is currently insufficient to determine the role of this variant in disease. Therefore, it has been classified as a Variant of Uncertain Significance.